The following is an entry in ClinVar:

NM_020975.6(RET):c.2400C>G (p.Leu800=)

Gene: RET (ret proto-oncogene; plus strand). Cytogenetic location: 10q11.21.
Variant type: single nucleotide variant.
Coding change: c.2400C>G on transcript NM_020975.6 (MANE Select); coding-DNA position 2400, C replaced by G.
Protein change: p.Leu800=; no amino-acid change (leucine 800 retained).
Molecular consequence: synonymous variant.
Genome position (GRCh38, 1-based): chr10:43,119,538, C>G. VCF-style: chr10-43119538-C-G. GRCh37 (hg19) VCF-style: chr10-43614986-C-G.
Other names: c.1638C>G, p.Leu546= (NM_001355216.2); c.2400C>G, p.Leu800= (NM_001406743.1, NM_001406744.1, NM_001406759.1 and 2 more transcripts); c.2271C>G, p.Leu757= (NM_001406761.1, NM_001406762.1, NM_001406764.1); c.2265C>G, p.Leu755= (NM_001406763.1, NM_001406765.1); c.2112C>G, p.Leu704= (NM_001406766.1, NM_001406767.1, NM_001406770.1); c.2136C>G, p.Leu712= (NM_001406768.1); c.2004C>G, p.Leu668= (NM_001406769.1, NM_001406772.1); c.1962C>G, p.Leu654= (NM_001406771.1, NM_001406773.1); and 10 more.
Identifiers: ClinVar variation 3904612 (VCV003904612.1).

ClinVar aggregate classification (germline): Benign (1 of 4 stars; one submission).

Conditions:
Multiple endocrine neoplasia type 2A. Also called: Multiple Endocrine Neoplasia Type 2A (MEN2A); MULTIPLE ENDOCRINE NEOPLASIA, TYPE IIA; PTC SYNDROME; SIPPLE SYNDROME; MEN 2A; MEN-2A syndrome. Identifiers: Orphanet 247698, Orphanet 653, MedGen C0025268, MeSH D018813, MONDO:0008234, OMIM 171400.

gnomAD v4.1: 1 of 1,601,406 alleles (0.000062%); highest among the groups gnomAD compares: Admixed American, 0.0017%; no homozygotes.

Submission:

Myriad Genetics, Inc.
Classification: Benign for Multiple endocrine neoplasia type 2A. Last evaluated: 2025-02-27. Review status: criteria provided, single submitter. Criteria: Myriad Autosomal Dominant, Autosomal Recessive and X-Linked Classification Criteria (2023). Collection method: clinical testing. Allele origin: unknown.
Comment: This variant is considered benign. This variant is a silent/synonymous amino acid change and it is not expected to impact splicing.